The following is an entry in ClinVar:

ClinVar aggregate classification (germline): Conflicting classifications of pathogenicity. Review status: criteria provided, conflicting classifications (1 of 4 stars). 2 submissions from 2 submitters: Uncertain significance (1); Benign (1). Last evaluated 2025-10-28.

Conditions:
Hereditary cancer-predisposing syndrome. Also called: Hereditary Cancer Syndrome; Hereditary neoplastic syndrome; Tumor predisposition; Neoplastic Syndromes, Hereditary. Identifiers: Orphanet 140162, MedGen C0027672, MeSH D009386, MONDO:0015356.
Fanconi anemia complementation group O. Also called: RAD51C-Related Fanconi Anemia. Identifiers: Orphanet 84, MedGen C3150653, MONDO:0013248, OMIM 613390.

Submissions (2):

Ambry Genetics
Classification: Benign for Hereditary cancer-predisposing syndrome. Last evaluated: 2025-10-28. Review status: criteria provided, single submitter. Criteria: Ambry Variant Classification Scheme 2023. Collection method: clinical testing. Allele origin: germline.

Labcorp Genetics (formerly Invitae), Labcorp
Classification: Uncertain significance for Fanconi anemia complementation group O. Last evaluated: 2022-08-06. Review status: criteria provided, single submitter. Criteria: Invitae Variant Classification Sherloc (09022015). Collection method: clinical testing. Allele origin: germline.
Comment: Algorithms developed to predict the effect of sequence changes on RNA splicing suggest that this variant may create or strengthen a splice site. Algorithms developed to predict the effect of missense changes on protein structure and function (SIFT, PolyPhen-2, Align-GVGD) all suggest that this variant is likely to be tolerated. In summary, the available evidence is currently insufficient to determine the role of this variant in disease. Therefore, it has been classified as a Variant of Uncertain Significance. ClinVar contains an entry for this variant (Variation ID: 1362011). This variant has not been reported in the literature in individuals affected with RAD51C-related conditions. This sequence change replaces alanine, which is neutral and non-polar, with valine, which is neutral and non-polar, at codon 295 of the RAD51C protein (p.Ala295Val). This variant is not present in population databases (gnomAD no frequency).

NM_058216.3(RAD51C):c.884C>T (p.Ala295Val)

Gene: RAD51C (RAD51 paralog C; plus strand). Cytogenetic location: 17q22.
Variant type: single nucleotide variant.
Coding change: c.884C>T on transcript NM_058216.3 (MANE Select); coding-DNA position 884, C replaced by T.
Protein change: p.Ala295Val; replaces alanine 295 with valine.
Molecular consequence: missense variant. On other transcripts: non-coding transcript variant (1).
Genome position (GRCh38, 1-based): chr17:58,720,792, C>T. VCF-style: chr17-58720792-C-T. GRCh37 (hg19) VCF-style: chr17-56798153-C-T.
Other names: c.884C>T (NM_058216.1); short protein forms A295V.
Identifiers: ClinVar variation 1362011 (VCV001362011.10), dbSNP rs1555602136, ClinGen allele CA400359717.